The following is an entry in ClinVar:

ClinVar aggregate classification (germline): Uncertain significance (1 of 4 stars; one submission).

Conditions:
Combined oxidative phosphorylation defect type 7. Identifiers: Orphanet 254930, MedGen C3150801, MONDO:0013306, OMIM 613559.
Spastic paraplegia. Identifiers: MedGen C0037772, HP:0001258.

gnomAD v4.1: 19 of 1,614,134 alleles (0.0012%); highest among the groups gnomAD compares: East Asian, 0.0022%; no homozygotes.

Submission:

Labcorp Genetics (formerly Invitae), Labcorp
Classification: Uncertain significance for Combined oxidative phosphorylation defect type 7; Spastic paraplegia. Last evaluated: 2025-03-10. Review status: criteria provided, single submitter. Criteria: Invitae Variant Classification Sherloc (09022015). Collection method: clinical testing. Allele origin: germline.
Comment: This sequence change replaces valine, which is neutral and non-polar, with isoleucine, which is neutral and non-polar, at codon 92 of the C12orf65 protein (p.Val92Ile). This variant is present in population databases (no rsID available, gnomAD 0.003%). This variant has not been reported in the literature in individuals affected with C12orf65-related conditions. ClinVar contains an entry for this variant (Variation ID: 1681655). An algorithm developed to predict the effect of missense changes on protein structure and function (PolyPhen-2) suggests that this variant is likely to be disruptive. In summary, the available evidence is currently insufficient to determine the role of this variant in disease. Therefore, it has been classified as a Variant of Uncertain Significance.

NM_152269.5(MTRFR):c.274G>A (p.Val92Ile)

Gene: MTRFR (mitochondrial translation release factor in rescue; plus strand). Cytogenetic location: 12q24.31.
Variant type: single nucleotide variant.
Coding change: c.274G>A on transcript NM_152269.5 (MANE Select); coding-DNA position 274, G replaced by A.
Protein change: p.Val92Ile; replaces valine 92 with isoleucine.
Molecular consequence: missense variant.
Genome position (GRCh38, 1-based): chr12:123,253,948, G>A. VCF-style: chr12-123253948-G-A. GRCh37 (hg19) VCF-style: chr12-123738495-G-A.
Other names: c.274G>A, p.Val92Ile (NM_001143905.2, NM_001194995.1); short protein forms V92I.
Identifiers: ClinVar variation 1681655 (VCV001681655.7), dbSNP rs781746861, ClinGen allele CA387118869.